The following is an entry in ClinVar:

ClinVar aggregate classification (germline): Uncertain significance (1 of 4 stars; one submission).

Conditions:
Hereditary cancer-predisposing syndrome. Also called: Neoplastic Syndromes, Hereditary; Tumor predisposition; Hereditary Cancer Syndrome; Hereditary neoplastic syndrome. Identifiers: Orphanet 140162, MedGen C0027672, MeSH D009386, MONDO:0015356.

Submission:

Ambry Genetics
Classification: Uncertain significance for Hereditary cancer-predisposing syndrome. Last evaluated: 2024-11-17. Review status: criteria provided, single submitter. Criteria: Ambry Variant Classification Scheme 2023. Collection method: clinical testing. Allele origin: germline.
Comment: The p.I921L variant (also known as c.2761A>C), located in coding exon 17 of the PTCH1 gene, results from an A to C substitution at nucleotide position 2761. The isoleucine at codon 921 is replaced by leucine, an amino acid with highly similar properties. This amino acid position is conserved. In addition, the in silico prediction for this alteration is inconclusive. Based on the available evidence, the clinical significance of this variant remains unclear.

NM_000264.5(PTCH1):c.2761A>C (p.Ile921Leu)

Gene: PTCH1 (patched 1; minus strand). Cytogenetic location: 9q22.32.
Variant type: single nucleotide variant.
Coding change: c.2761A>C on transcript NM_000264.5 (MANE Select); coding-DNA position 2761, A replaced by C.
Protein change: p.Ile921Leu; replaces isoleucine 921 with leucine.
Molecular consequence: missense variant. On other transcripts: non-coding transcript variant (1).
Genome position (GRCh38, 1-based): chr9:95,459,726, T>G on the plus strand (A>C on the coding strand, the complement: PTCH1 is on the minus strand). VCF-style: chr9-95459726-T-G. GRCh37 (hg19) VCF-style: chr9-98222008-T-G.
Other names: c.2563A>C, p.Ile855Leu (NM_001083602.3); c.2758A>C, p.Ile920Leu (NM_001083603.3); c.2308A>C, p.Ile770Leu (NM_001083604.3, NM_001083605.3, NM_001083606.3 and 1 more transcripts); c.2605A>C, p.Ile869Leu (NM_001354918.2); short protein forms I869L, I855L, I770L, I920L, I921L.
Identifiers: ClinVar variation 3427329 (VCV003427329.1).